The following is an entry in ClinVar:

ClinVar aggregate classification (germline): Uncertain significance. Review status: criteria provided, multiple submitters, no conflicts (2 of 4 stars). 3 submissions from 3 submitters: Uncertain significance (3). Last evaluated 2022-08-10.

Conditions:
Autosomal recessive limb-girdle muscular dystrophy type 2O. Also called: Limb-Girdle Muscular Dystrophy Type 3C; MUSCULAR DYSTROPHY-DYSTROGLYCANOPATHY (LIMB-GIRDLE), TYPE C, 3; MUSCULAR DYSTROPHY-DYSTROGLYCANOPATHY, LIMB-GIRDLE, POMGNT1-RELATED. Identifiers: Orphanet 206564, MedGen C3150417, MONDO:0013161, OMIM 613157.
Muscular dystrophy-dystroglycanopathy (congenital with impaired intellectual development), type B, 3. Also called: Muscular dystrophy-dystroglycanopathy (congenital with intellectual disability), type B3; MUSCULAR DYSTROPHY, CONGENITAL, POMGNT1-RELATED. Identifiers: MedGen C3150412, MONDO:0013155, OMIM 613151.

Allele frequency attached by ClinVar (database versions not stated): gnomAD exomes 0.00003 and 0.00001; ExAC 0.00001; ESP Exome Variant Server 0.00008.
gnomAD v4.1: 44 of 1,613,984 alleles (0.0027%); highest among the groups gnomAD compares: Non-Finnish European, 0.0036%; no homozygotes.

Submissions (3):

Labcorp Genetics (formerly Invitae), Labcorp
Classification: Uncertain significance for Autosomal recessive limb-girdle muscular dystrophy type 2O; Muscular dystrophy-dystroglycanopathy (congenital with impaired intellectual development), type B, 3. Last evaluated: 2022-08-10. Review status: criteria provided, single submitter. Criteria: Invitae Variant Classification Sherloc (09022015). Collection method: clinical testing. Allele origin: germline.
Comment: This sequence change replaces leucine, which is neutral and non-polar, with valine, which is neutral and non-polar, at codon 120 of the POMGNT1 protein (p.Leu120Val). This variant is present in population databases (rs373016708, gnomAD 0.002%). This variant has not been reported in the literature in individuals affected with POMGNT1-related conditions. ClinVar contains an entry for this variant (Variation ID: 501934). Advanced modeling of protein sequence and biophysical properties (such as structural, functional, and spatial information, amino acid conservation, physicochemical variation, residue mobility, and thermodynamic stability) performed at Invitae indicates that this missense variant is not expected to disrupt POMGNT1 protein function. This variant disrupts the p.Leu120 amino acid residue in POMGNT1. Other variant(s) that disrupt this residue have been determined to be pathogenic (PMID: 27391550, 31872526). This suggests that this residue is clinically significant, and that variants that disrupt this residue are likely to be disease-causing. In summary, the available evidence is currently insufficient to determine the role of this variant in disease. Therefore, it has been classified as a Variant of Uncertain Significance.

Athena Diagnostics
Classification: Uncertain significance. Last evaluated: 2019-11-07. Review status: criteria provided, single submitter. Criteria: Athena Diagnostics Criteria. Collection method: clinical testing. Allele origin: unknown.

Eurofins Ntd Llc (ga)
Classification: Uncertain significance. Last evaluated: 2017-05-08. Review status: criteria provided, single submitter. Criteria: EGL Classification Definitions 2015. Collection method: clinical testing. Allele origin: germline. Observed: 1 variant allele, 1 heterozygote.

Literature cited by the submitters: PubMed 27391550 (cited by Labcorp Genetics (formerly Invitae), Labcorp); PubMed 31872526 (cited by Labcorp Genetics (formerly Invitae), Labcorp).

NM_017739.4(POMGNT1):c.358C>G (p.Leu120Val)

Genes: POMGNT1 (protein O-linked mannose N-acetylglucosaminyltransferase 1 (beta 1,2-); minus strand), TSPAN1 (tetraspanin 1; plus strand). Cytogenetic location: 1p34.1.
Variant type: single nucleotide variant.
Coding change: c.358C>G on transcript NM_017739.4 (MANE Select); coding-DNA position 358, C replaced by G.
Protein change: p.Leu120Val; replaces leucine 120 with valine.
Molecular consequence: missense variant. On other transcripts: 5 prime UTR variant (1).
Genome position (GRCh38, 1-based): chr1:46,196,074, G>C on the plus strand (C>G on the coding strand, the complement: POMGNT1 is on the minus strand). VCF-style: chr1-46196074-G-C. GRCh37 (hg19) VCF-style: chr1-46661746-G-C.
Other names: c.358C>G, p.Leu120Val (NM_001243766.2, NM_001410783.1); c.292C>G, p.Leu98Val (NM_001290129.3); c.-72C>G (NM_001290130.2); short protein forms L120V, L98V.
Identifiers: ClinVar variation 501934 (VCV000501934.15), dbSNP rs373016708, ClinGen allele CA833761.
Genomic context (GRCh38, chr1:46,196,074, plus strand): 5'-TGGCCTGGTTGAGGACAATGACATGGATGCCCCGGCCCTGCTCCCGGGCCTCATCCTCCA[G>C]CACCTACACAGTGGCAGAGACAAAGTCCAGCTTTTCACTCTGGCATTCAAGGTGTCTCTG-3'
Protein context (NP_060209.4, residues 110-130): VYVAVDGTTV[Leu120Val]EDEAREQGRG